The following is an entry in ClinVar:

NM_001161352.2(KCNMA1):c.3316C>T (p.Leu1106Phe)

Genes: KCNMA1-AS1 (KCNMA1 antisense RNA 1; plus strand), KCNMA1 (potassium calcium-activated channel subfamily M alpha 1; minus strand). Cytogenetic location: 10q22.3.
Variant type: single nucleotide variant.
Coding change: c.3316C>T on transcript NM_001161352.2 (MANE Select); coding-DNA position 3316, C replaced by T.
Protein change: p.Leu1106Phe; replaces leucine 1106 with phenylalanine.
Molecular consequence: missense variant.
Genome position (GRCh38, 1-based): chr10:76,891,551, G>A on the plus strand (C>T on the coding strand, the complement: KCNMA1 is on the minus strand). VCF-style: chr10-76891551-G-A. GRCh37 (hg19) VCF-style: chr10-78651309-G-A.
Other names: c.3154C>T, p.Leu1052Phe (NM_001014797.3); c.3265C>T, p.Leu1089Phe (NM_001161353.2); c.2992C>T, p.Leu998Phe (NM_001271518.2); c.3232C>T, p.Leu1078Phe (NM_001271519.2); c.3151C>T, p.Leu1051Phe (NM_001322829.2, NM_001322836.2); c.3244C>T, p.Leu1082Phe (NM_001322830.2); c.3142C>T, p.Leu1048Phe (NM_001322832.2, NM_002247.4); c.3235C>T, p.Leu1079Phe (NM_001322835.2, NM_001322837.2); and 1 more; short protein forms L1052F, L1078F, L1089F, L1106F, L897F, L1079F, L1082F, L1048F.
Identifiers: ClinVar variation 1386817 (VCV001386817.8), dbSNP rs2151871204, ClinGen allele CA377403335.
Genomic context (GRCh38, chr10:76,891,551, plus strand): 5'-GCAAGCTCAGGTGACCTCGGTGCTGTGGACTCACCCCTAAGTCCGCAAATGGCCCATCGA[G>A]CAGAGCTAACTGGGCCACGCGGCAGCGGTCCCTATTGGCCAGTGTCTGCGGGGTGCTGTA-3'
Protein context (NP_001154824.1, residues 1096-1116): DRCRVAQLAL[Leu1106Phe]DGPFADLGDG

ClinVar aggregate classification (germline): Uncertain significance (1 of 4 stars; one submission).

Conditions:
Generalized epilepsy-paroxysmal dyskinesia syndrome (PNKD3). Also called: Paroxysmal nonkinesigenic dyskinesia, 3, with or without generalized epilepsy; Generalized epilepsy and paroxysmal dyskinesia. Identifiers: Orphanet 79137, MedGen C5574945, MONDO:0012276, OMIM 609446.

Submission:

Labcorp Genetics (formerly Invitae), Labcorp
Classification: Uncertain significance for Generalized epilepsy-paroxysmal dyskinesia syndrome. Last evaluated: 2021-04-11. Review status: criteria provided, single submitter. Criteria: Invitae Variant Classification Sherloc (09022015). Collection method: clinical testing. Allele origin: germline.
Comment: This sequence change replaces leucine with phenylalanine at codon 1048 of the KCNMA1 protein (p.Leu1048Phe). The leucine residue is moderately conserved and there is a small physicochemical difference between leucine and phenylalanine. In summary, the available evidence is currently insufficient to determine the role of this variant in disease. Therefore, it has been classified as a Variant of Uncertain Significance. Algorithms developed to predict the effect of missense changes on protein structure and function (SIFT, PolyPhen-2, Align-GVGD) all suggest that this variant is likely to be tolerated, but these predictions have not been confirmed by published functional studies and their clinical significance is uncertain. This variant has not been reported in the literature in individuals with KCNMA1-related conditions. This variant is not present in population databases (ExAC no frequency).